The following is an entry in ClinVar:

ClinVar aggregate classification (germline): Uncertain significance (1 of 4 stars; one submission).

Submission:

GeneDx
Classification: Uncertain significance. Last evaluated: 2019-07-18. Review status: criteria provided, single submitter. Criteria: GeneDx Variant Classification Process June 2021. Collection method: clinical testing. Allele origin: germline. Affected: yes.
Comment: Not observed in large population cohorts (Lek et al., 2016); In silico analysis, which includes protein predictors and evolutionary conservation, supports that this variant does not alter protein structure/function; Has not been previously published as pathogenic or benign to our knowledge; Variants in candidate genes are classified as variants of uncertain significance in accordance with ACMG guidelines (Richards et al., 2015)

NM_015001.3(SPEN):c.3631G>A (p.Val1211Ile)

Gene: SPEN (spen family transcriptional repressor; plus strand). Cytogenetic location: 1p36.13.
Variant type: single nucleotide variant.
Coding change: c.3631G>A on transcript NM_015001.3 (MANE Select); coding-DNA position 3631, G replaced by A.
Protein change: p.Val1211Ile; replaces valine 1211 with isoleucine.
Molecular consequence: missense variant.
Genome position (GRCh38, 1-based): chr1:15,929,871, G>A. VCF-style: chr1-15929871-G-A. GRCh37 (hg19) VCF-style: chr1-16256366-G-A.
Other names: short protein forms V1211I.
Identifiers: ClinVar variation 1318773 (VCV001318773.2), dbSNP rs2148738922, ClinGen allele CA338608852.